The following is an entry in ClinVar:

ClinVar aggregate classification (germline): Benign/Likely benign. Review status: criteria provided, multiple submitters, no conflicts (2 of 4 stars). 9 submissions from 9 submitters: Benign (6); Likely benign (1). 2 of the submissions do not count toward it. Last evaluated 2026-02-04.

Conditions:
Trimethylaminuria (TMAU). Also called: Fish malodor syndrome; Stale fish syndrome; TMAuria; FISH-ODOR SYNDROME; Primary Trimethylaminuria. Identifiers: MedGen C0342739, MONDO:0011182, OMIM 602079, HP:0003614. Disease mechanism: loss of function.

Allele frequency attached by ClinVar (database versions not stated): 1000 Genomes Project 0.19888; 1000 Genomes Project 30x 0.20159; gnomAD 0.21613; TOPMed 0.21887; ESP Exome Variant Server 0.23320.
gnomAD v4.1: 349,466 of 1,613,030 alleles (22%); highest among the groups gnomAD compares: South Asian, 29%; 39,561 homozygotes.

Submissions (9):

Labcorp Genetics (formerly Invitae), Labcorp
Classification: Benign. Last evaluated: 2026-02-04. Review status: criteria provided, single submitter. Criteria: Invitae Variant Classification Sherloc (09022015). Collection method: clinical testing. Allele origin: germline.

Women's Health and Genetics/Laboratory Corporation of America, LabCorp
Classification: Benign. Last evaluated: 2025-11-25. Review status: criteria provided, single submitter. Criteria: LabCorp Variant Classification Summary - May 2015. Collection method: clinical testing. Allele origin: germline.

Blueprint Genetics
Classification: Likely benign. Last evaluated: 2024-11-26. Review status: criteria provided, single submitter. Criteria: ACMG Guidelines, 2015. Collection method: clinical testing. Allele origin: germline.

Genome-Nilou Lab
Classification: Benign for Trimethylaminuria. Last evaluated: 2021-08-10. Review status: criteria provided, single submitter. Criteria: ACMG Guidelines, 2015. Collection method: clinical testing. Allele origin: germline. Affected: no.

Illumina Laboratory Services, Illumina
Classification: Benign for Trimethylaminuria. Last evaluated: 2018-01-12. Review status: criteria provided, single submitter. Criteria: ICSL Variant Classification Criteria 13 December 2019. Collection method: clinical testing. Allele origin: germline.
Comment: This variant was observed in the ICSL laboratory as part of a predisposition screen in an ostensibly healthy population. It had not been previously curated by ICSL or reported in the Human Gene Mutation Database (HGMD: prior to June 1st, 2018), and was therefore a candidate for classification through an automated scoring system. Utilizing variant allele frequency, disease prevalence and penetrance estimates, and inheritance mode, an automated score was calculated to assess if this variant is too frequent to cause the disease. Based on the score and internal cut-off values, a variant classified as benign is not then subjected to further curation. The score for this variant resulted in a classification of benign for this disease.

Breakthrough Genomics
Classification: Benign. Review status: criteria provided, single submitter. Criteria: ACMG Guidelines, 2015. Collection method: not provided. Allele origin: germline. Inheritance: Autosomal recessive inheritance. Affected: yes.

PreventionGenetics, part of Exact Sciences
Classification: Benign. Review status: criteria provided, single submitter. Criteria: ACMG Guidelines, 2015. Collection method: clinical testing. Allele origin: germline.

Diagnostic Laboratory, Department of Genetics, University Medical Center Groningen
Classification: Benign. Review status: no assertion criteria provided. Collection method: clinical testing. Allele origin: germline. Affected: yes. Study: VKGL Data-share Consensus. Not counted in ClinVar's aggregate classification.

Joint Genome Diagnostic Labs from Nijmegen and Maastricht, Radboudumc and MUMC+
Classification: Benign. Review status: no assertion criteria provided. Collection method: clinical testing. Allele origin: germline. Affected: yes. Study: VKGL Data-share Consensus. Not counted in ClinVar's aggregate classification.

NM_001002294.3(FMO3):c.627+10C>G

Genes: FMO3 (flavin containing dimethylaniline monoxygenase 3; plus strand), LOC126805916 (BRD4-independent group 4 enhancer GRCh37_chr1:171076844-171078043; plus strand). Cytogenetic location: 1q24.3.
Variant type: single nucleotide variant.
Coding change: c.627+10C>G on transcript NM_001002294.3 (MANE Select); 10 bases into the intron after coding-DNA position 627, C replaced by G.
Molecular consequence: intron variant.
Genome position (GRCh38, 1-based): chr1:171,108,231, C>G. VCF-style: chr1-171108231-C-G. GRCh37 (hg19) VCF-style: chr1-171077372-C-G.
Other names: c.438+10C>G (NM_001319174.2); c.567+10C>G (NM_001319173.2); c.627+10C>G (NM_006894.6).
Identifiers: ClinVar variation 260076 (VCV000260076.19), dbSNP rs2066534, ClinGen allele CA1240593.